The following is an entry in ClinVar:

ClinVar aggregate classification (germline): Uncertain significance (1 of 4 stars; one submission).

Conditions:
Epileptic encephalopathy. Identifiers: MedGen C0543888, HP:0200134.

Allele frequency attached by ClinVar (database versions not stated): TOPMed below 0.00001; gnomAD exomes 0.00001.
gnomAD v4.1: 10 of 1,610,994 alleles (0.00062%); highest among the groups gnomAD compares: Non-Finnish European, 0.00085%; no homozygotes.

Submission:

Labcorp Genetics (formerly Invitae), Labcorp
Classification: Uncertain significance for Epileptic encephalopathy. Last evaluated: 2023-05-04. Review status: criteria provided, single submitter. Criteria: Invitae Variant Classification Sherloc (09022015). Collection method: clinical testing. Allele origin: germline.
Comment: This variant has not been reported in the literature in individuals affected with FASN-related conditions. In summary, the available evidence is currently insufficient to determine the role of this variant in disease. Therefore, it has been classified as a Variant of Uncertain Significance. Variants that disrupt the consensus splice site are a relatively common cause of aberrant splicing (PMID: 17576681, 9536098). Algorithms developed to predict the effect of sequence changes on RNA splicing suggest that this variant may create or strengthen a splice site. This variant is not present in population databases (gnomAD no frequency). This sequence change falls in intron 19 of the FASN gene. It does not directly change the encoded amino acid sequence of the FASN protein. It affects a nucleotide within the consensus splice site.

Literature cited by the submitters: PubMed 17576681; PubMed 9536098.

NM_004104.5(FASN):c.3043+5G>T

Gene: FASN (fatty acid synthase; minus strand). Cytogenetic location: 17q25.3.
Variant type: single nucleotide variant.
Coding change: c.3043+5G>T on transcript NM_004104.5 (MANE Select); 5 bases into the intron after coding-DNA position 3043, G replaced by T.
Molecular consequence: intron variant.
Genome position (GRCh38, 1-based): chr17:82,087,680, C>A on the plus strand (G>T on the coding strand, the complement: FASN is on the minus strand). VCF-style: chr17-82087680-C-A. GRCh37 (hg19) VCF-style: chr17-80045556-C-A.
Identifiers: ClinVar variation 2804903 (VCV002804903.3), dbSNP rs1422532198, ClinGen allele CA775707333.